The following is an entry in ClinVar:

NM_002292.4(LAMB2):c.703C>T (p.Arg235Trp)

Gene: LAMB2 (laminin subunit beta 2; minus strand). Cytogenetic location: 3p21.31.
Variant type: single nucleotide variant.
Coding change: c.703C>T on transcript NM_002292.4 (MANE Select); coding-DNA position 703, C replaced by T.
Protein change: p.Arg235Trp; replaces arginine 235 with tryptophan.
Molecular consequence: missense variant.
Genome position (GRCh38, 1-based): chr3:49,131,388, G>A on the plus strand (C>T on the coding strand, the complement: LAMB2 is on the minus strand). VCF-style: chr3-49131388-G-A. GRCh37 (hg19) VCF-style: chr3-49168821-G-A.
Other names: short protein forms R235W.
Identifiers: ClinVar variation 705738 (VCV000705738.53), dbSNP rs144133177, ClinGen allele CA2394844.

ClinVar aggregate classification (germline): Conflicting classifications of pathogenicity. Review status: criteria provided, conflicting classifications (1 of 4 stars). 4 submissions from 4 submitters: Uncertain significance (2); Likely benign (1). 1 of the submissions does not count toward it. Last evaluated 2025-11-21.

Conditions:
LAMB2-related disorder. Also called: LAMB2-related condition.
LAMB2-related infantile-onset nephrotic syndrome. Also called: NEPHROTIC SYNDROME, TYPE 5, WITHOUT OCULAR ABNORMALITIES; NEPHROTIC SYNDROME, TYPE 5, WITH OCULAR ABNORMALITIES; Nephrotic Syndrome, type 5. Identifiers: Orphanet 306507, MedGen C3280113, MONDO:0013621, OMIM 614199.
Pierson syndrome. Also called: MICROCORIA-CONGENITAL NEPHROTIC SYNDROME. Identifiers: Orphanet 2670, MedGen C1836876, MONDO:0012184, OMIM 609049.

Allele frequency attached by ClinVar (database versions not stated): gnomAD exomes 0.00008 and 0.00020; ExAC 0.00026; gnomAD 0.00068 and 0.00071; TOPMed 0.00081; ESP Exome Variant Server 0.00092; 1000 Genomes Project 0.00120; 1000 Genomes Project 30x 0.00125.
gnomAD v4.1: 219 of 1,614,078 alleles (0.014%); highest among the groups gnomAD compares: African/African-American, 0.25%; no homozygotes.

Submissions (4):

Labcorp Genetics (formerly Invitae), Labcorp
Classification: Likely benign for LAMB2-related infantile-onset nephrotic syndrome; Pierson syndrome. Last evaluated: 2025-11-21. Review status: criteria provided, single submitter. Criteria: Invitae Variant Classification Sherloc (09022015). Collection method: clinical testing. Allele origin: germline.

GeneDx
Classification: Uncertain significance. Last evaluated: 2025-09-23. Review status: criteria provided, single submitter. Criteria: GeneDx Variant Classification Process June 2021. Collection method: clinical testing. Allele origin: germline. Affected: yes.
Comment: In silico analysis supports that this missense variant has a deleterious effect on protein structure/function; Has not been previously published as pathogenic or benign to our knowledge

CeGaT Center for Human Genetics Tuebingen
Classification: Uncertain significance. Last evaluated: 2017-12-01. Review status: criteria provided, single submitter. Criteria: CeGaT Center For Human Genetics Tuebingen Variant Classification Criteria Version 2. Collection method: clinical testing. Allele origin: germline. Affected: yes. Observed: 1 variant allele.

PreventionGenetics, part of Exact Sciences
Classification: Likely benign for LAMB2-related condition. Last evaluated: 2023-02-16. Review status: no assertion criteria provided. Collection method: clinical testing. Allele origin: germline. Not counted in ClinVar's aggregate classification.
Comment: This variant is classified as likely benign based on ACMG/AMP sequence variant interpretation guidelines (Richards et al. 2015 PMID: 25741868, with internal and published modifications).